The following is an entry in ClinVar:

NM_006363.6(SEC23B):c.1233+9A>G

Gene: SEC23B (SEC23 homolog B, COPII component; plus strand). Cytogenetic location: 20p11.23.
Variant type: single nucleotide variant.
Coding change: c.1233+9A>G on transcript NM_006363.6 (MANE Select); 9 bases into the intron after coding-DNA position 1233, A replaced by G.
Molecular consequence: intron variant.
Genome position (GRCh38, 1-based): chr20:18,530,812, A>G. VCF-style: chr20-18530812-A-G. GRCh37 (hg19) VCF-style: chr20-18511456-A-G.
Other names: p.?; c.1233+9A>G (NM_032986.5, NM_001172745.3, NM_032985.6); c.1179+9A>G (NM_001172746.3).
Identifiers: ClinVar variation 95379 (VCV000095379.45), dbSNP rs6081189, ClinGen allele CA148495.

ClinVar aggregate classification (germline): Benign/Likely benign. Review status: criteria provided, multiple submitters, no conflicts (2 of 4 stars). 13 submissions from 12 submitters: Benign (10); Likely benign (1). 2 of the submissions do not count toward it. Last evaluated 2026-02-04.

Conditions:
Congenital dyserythropoietic anemia, type II (CDAN2). Also called: DYSERYTHROPOIETIC ANEMIA, HEMPAS TYPE. Identifiers: Orphanet 98873, MedGen C1306589, MONDO:0009134, OMIM 224100.
Cowden syndrome 7 (CWS7). Identifiers: Orphanet 201, MedGen C4225179, MONDO:0014802, OMIM 616858.

Allele frequency attached by ClinVar (database versions not stated): 1000 Genomes Project 30x 0.91099; TOPMed 0.91181; 1000 Genomes Project 0.91633; ESP Exome Variant Server 0.91649; gnomAD 0.91788 and 0.92322; ExAC 0.97473; gnomAD exomes 0.97820 and 0.98974.
gnomAD v4.1: 1,577,037 of 1,604,196 alleles (98%); highest among the groups gnomAD compares: East Asian, 100%; 777,450 homozygotes.

Submissions (13):

Labcorp Genetics (formerly Invitae), Labcorp
Classification: Benign for Congenital dyserythropoietic anemia, type II; Cowden syndrome 7. Last evaluated: 2026-02-04. Review status: criteria provided, single submitter. Criteria: Invitae Variant Classification Sherloc (09022015). Collection method: clinical testing. Allele origin: germline.

ARUP Laboratories, Molecular Genetics and Genomics, ARUP Laboratories
Classification: Benign. Last evaluated: 2025-07-31. Review status: criteria provided, single submitter. Criteria: ARUP Molecular Germline Variant Investigation Process 2024. Collection method: clinical testing. Allele origin: germline.

Blueprint Genetics
Classification: Likely benign. Last evaluated: 2024-11-28. Review status: criteria provided, single submitter. Criteria: ACMG Guidelines, 2015. Collection method: clinical testing. Allele origin: germline.

Mayo Clinic Laboratories, Mayo Clinic
Classification: Benign. Last evaluated: 2022-09-06. Review status: criteria provided, single submitter. Criteria: ACMG Guidelines, 2015. Collection method: clinical testing. Allele origin: germline. Observed: 2,122 variant alleles.

Genome-Nilou Lab
Classification: Benign for Cowden syndrome 7. Last evaluated: 2021-07-15. Review status: criteria provided, single submitter. Criteria: ACMG Guidelines, 2015. Collection method: clinical testing. Allele origin: germline. Affected: no.

Genome-Nilou Lab
Classification: Benign for Congenital dyserythropoietic anemia, type II. Last evaluated: 2021-07-15. Review status: criteria provided, single submitter. Criteria: ACMG Guidelines, 2015. Collection method: clinical testing. Allele origin: germline. Affected: no.

GeneDx
Classification: Benign. Last evaluated: 2019-08-15. Review status: criteria provided, single submitter. Criteria: GeneDx Variant Classification Process June 2021. Collection method: clinical testing. Allele origin: germline. Affected: yes.

Illumina Laboratory Services, Illumina
Classification: Benign for Congenital dyserythropoietic anemia, type II. Last evaluated: 2018-01-13. Review status: criteria provided, single submitter. Criteria: ICSL Variant Classification Criteria 13 December 2019. Collection method: clinical testing. Allele origin: germline.
Comment: This variant was observed in the ICSL laboratory as part of a predisposition screen in an ostensibly healthy population. It had not been previously curated by ICSL or reported in the Human Gene Mutation Database (HGMD: prior to June 1st, 2018), and was therefore a candidate for classification through an automated scoring system. Utilizing variant allele frequency, disease prevalence and penetrance estimates, and inheritance mode, an automated score was calculated to assess if this variant is too frequent to cause the disease. Based on the score and internal cut-off values, a variant classified as benign is not then subjected to further curation. The score for this variant resulted in a classification of benign for this disease.

Eurofins Ntd Llc (ga)
Classification: Benign. Last evaluated: 2015-08-26. Review status: criteria provided, single submitter. Criteria: EGL Classification Definitions 2015. Collection method: clinical testing. Allele origin: germline. Observed: 32 variant alleles, 4 heterozygotes, 28 homozygotes.

Breakthrough Genomics
Classification: Benign. Review status: criteria provided, single submitter. Criteria: ACMG Guidelines, 2015. Collection method: not provided. Allele origin: germline. Inheritance: Autosomal recessive inheritance. Affected: yes.

PreventionGenetics, part of Exact Sciences
Classification: Benign. Review status: criteria provided, single submitter. Criteria: ACMG Guidelines, 2015. Collection method: clinical testing. Allele origin: germline.

Diagnostic Laboratory, Department of Genetics, University Medical Center Groningen
Classification: Benign. Review status: no assertion criteria provided. Collection method: clinical testing. Allele origin: germline. Affected: yes. Study: VKGL Data-share Consensus. Not counted in ClinVar's aggregate classification.

Joint Genome Diagnostic Labs from Nijmegen and Maastricht, Radboudumc and MUMC+
Classification: Benign. Review status: no assertion criteria provided. Collection method: clinical testing. Allele origin: germline. Affected: yes. Study: VKGL Data-share Consensus. Not counted in ClinVar's aggregate classification.